The following is an entry in ClinVar:

ClinVar aggregate classification (germline): Pathogenic (1 of 4 stars; one submission).

Submission:

Labcorp Genetics (formerly Invitae), Labcorp
Classification: Pathogenic. Last evaluated: 2023-10-14. Review status: criteria provided, single submitter. Criteria: Invitae Variant Classification Sherloc (09022015). Collection method: clinical testing. Allele origin: germline.
Comment: This sequence change creates a premature translational stop signal (p.Ser1172Trpfs*6) in the COL2A1 gene. It is expected to result in an absent or disrupted protein product. Loss-of-function variants in COL2A1 are known to be pathogenic (PMID: 20179744). This variant is not present in population databases (gnomAD no frequency). This variant has not been reported in the literature in individuals affected with COL2A1-related conditions. For these reasons, this variant has been classified as Pathogenic.

Literature cited by the submitters: PubMed 20179744.

NM_001844.5(COL2A1):c.3515_3516del (p.Ser1172fs)

Gene: COL2A1 (collagen type II alpha 1 chain; minus strand). Cytogenetic location: 12q13.11.
Variant type: Microsatellite.
Coding change: c.3515_3516del on transcript NM_001844.5 (MANE Select); coding-DNA positions 3515 to 3516, 2 bases deleted (CT; older notation c.3515_3516delCT).
Protein change: p.Ser1172fs; shifts the reading frame from serine 1172.
Molecular consequence: frameshift variant.
Genome position (GRCh38, 1-based): chr12:47,976,044-47,976,045, AG deleted on the plus strand (CT on the coding strand, the reverse complement: COL2A1 is on the minus strand); deleting any 2 consecutive bases within chr12:47,976,044-47,976,047 gives the same sequence; the c. name uses the placement nearest the transcript's 3' end. VCF-style (leftmost placement, unchanged base first): chr12-47976043-CAG-C. GRCh37 (hg19) VCF-style: chr12-48369826-CAG-C.
Other names: c.3308_3309del, p.Ser1103fs (NM_033150.3); short protein forms S1172fs, S1103fs.
Identifiers: ClinVar variation 2768475 (VCV002768475.3), dbSNP rs2540102645, ClinGen allele CA2697559178.